The following is an entry in ClinVar:

NM_015450.3(POT1):c.1381_1382del (p.Leu460_Ser461insTer)

Gene: POT1 (protection of telomeres 1; minus strand). Cytogenetic location: 7q31.33.
Variant type: Deletion.
Coding change: c.1381_1382del on transcript NM_015450.3 (MANE Select); coding-DNA positions 1381 to 1382, 2 bases deleted (AG; older notation c.1381_1382delAG).
Protein change: p.Leu460_Ser461insTer.
Molecular consequence: nonsense. On other transcripts: non-coding transcript variant (3).
Genome position (GRCh38, 1-based): chr7:124,835,402-124,835,403, CT deleted on the plus strand (AG on the coding strand, the reverse complement: POT1 is on the minus strand). VCF-style (leftmost placement, unchanged base first): chr7-124835401-ACT-A. GRCh37 (hg19) VCF-style: chr7-124475455-ACT-A.
Other names: c.988_989del, p.Leu329_Ser330insTer (NM_001042594.2).
Identifiers: ClinVar variation 1451603 (VCV001451603.6), dbSNP rs2116444559, ClinGen allele CA2573141668.
Genomic context (GRCh38, chr7:124,835,401, plus strand): 5'-TTCGTGGCCAGATCTCACAGGAATTACACTATTAAACTTGTTCGAGAGTTTGCAAATTTC[ACT>A]GAGTGTACCTCCTGTTAAGAGAATAAATAAATCCTTCAAGTAGTGCAAATAAAATGTAGA-3'

ClinVar aggregate classification (germline): Pathogenic (1 of 4 stars; one submission).

Conditions:
Tumor predisposition syndrome 3 (TPDS3). Also called: LONG TELOMERE SYNDROME, POT1-RELATED; POT1 Tumor Predisposition; Glioma susceptibility 9; Melanoma, cutaneous malignant, susceptibility to, 10. Identifiers: Orphanet 618, MedGen C4014476, MONDO:0014368, OMIM 615848.

Submission:

Labcorp Genetics (formerly Invitae), Labcorp
Classification: Pathogenic for Tumor predisposition syndrome 3. Last evaluated: 2025-11-09. Review status: criteria provided, single submitter. Criteria: Invitae Variant Classification Sherloc (09022015). Collection method: clinical testing. Allele origin: germline.
Comment: This sequence change creates a premature translational stop signal (p.Ser461*) in the POT1 gene. It is expected to result in an absent or disrupted protein product. Loss-of-function variants in POT1 are known to be pathogenic (PMID: 32155570). This variant is not present in population databases (gnomAD no frequency). This variant has not been reported in the literature in individuals affected with POT1-related conditions. ClinVar contains an entry for this variant (Variation ID: 1451603). For these reasons, this variant has been classified as Pathogenic.

Literature cited by the submitters: PubMed 32155570.